The following is an entry in ClinVar:

ClinVar aggregate classification (germline): Pathogenic. Review status: criteria provided, multiple submitters, no conflicts (2 of 4 stars). 5 submissions from 5 submitters: Pathogenic (4). 1 of the submissions does not count toward it. Last evaluated 2026-01-21.

Conditions:
3-methylglutaconic aciduria with deafness, encephalopathy, and Leigh-like syndrome (MEGDEL). Also called: 3-METHYLGLUTACONIC ACIDURIA, TYPE VI; SERAC1 Deficiency; MEGDEL syndrome. Identifiers: Orphanet 352328, MedGen C4040739, MONDO:0013875, OMIM 614739.

Allele frequency attached by ClinVar (database versions not stated): ExAC 0.00001; gnomAD 0.00001; gnomAD exomes 0.00001; TOPMed 0.00001.
gnomAD v4.1: 13 of 1,613,906 alleles (0.00081%); highest among the groups gnomAD compares: East Asian, 0.0045%; no homozygotes.

Submissions (5):

Labcorp Genetics (formerly Invitae), Labcorp
Classification: Pathogenic for 3-methylglutaconic aciduria with deafness, encephalopathy, and Leigh-like syndrome. Last evaluated: 2026-01-21. Review status: criteria provided, single submitter. Criteria: Invitae Variant Classification Sherloc (09022015). Collection method: clinical testing. Allele origin: germline.
Comment: This sequence change creates a premature translational stop signal (p.Arg306*) in the SERAC1 gene. It is expected to result in an absent or disrupted protein product. Loss-of-function variants in SERAC1 are known to be pathogenic (PMID: 22683713). This variant is present in population databases (rs780664696, gnomAD 0.006%). This premature translational stop signal has been observed in individual(s) with clinical features of 3-methylglutaconic aciduria with deafness, encephalopathy, and Leigh-like syndrome (PMID: 29205472, 35094435). ClinVar contains an entry for this variant (Variation ID: 869397). Algorithms developed to predict the effect of sequence changes on RNA splicing suggest that this variant may disrupt the consensus splice site. For these reasons, this variant has been classified as Pathogenic.

GeneDx
Classification: Pathogenic. Last evaluated: 2025-10-21. Review status: criteria provided, single submitter. Criteria: GeneDx Variant Classification Process June 2021. Collection method: clinical testing. Allele origin: germline. Affected: yes.
Comment: Nonsense variant predicted to result in protein truncation or nonsense mediated decay in a gene for which loss of function is a known mechanism of disease; Not observed at significant frequency in large population cohorts (gnomAD); This variant is associated with the following publications: (PMID: 32313153, 29205472, 35094435, 35188226, 40714654)

Genome-Nilou Lab
Classification: Pathogenic for 3-methylglutaconic aciduria with deafness, encephalopathy, and Leigh-like syndrome. Last evaluated: 2022-03-15. Review status: criteria provided, single submitter. Criteria: ACMG Guidelines, 2015. Collection method: clinical testing. Allele origin: germline. Affected: no.

Kids Research, The Children's Hospital at Westmead
Classification: Pathogenic for 3-methylglutaconic aciduria with deafness, encephalopathy, and Leigh-like syndrome. Review status: criteria provided, single submitter. Criteria: ACMG Guidelines, 2015. Collection method: research. Allele origin: inherited. Inheritance: Autosomal recessive inheritance. Affected: yes.

Genesolutions, Medical Genetics Institutes, Ho Chi Minh City, Vietnam
Classification: Uncertain significance for 3-methylglutaconic aciduria with deafness, encephalopathy, and Leigh-like syndrome. Last evaluated: 2025-09-24. Review status: flagged submission. Criteria: ACMG Guidelines, 2015. Collection method: clinical testing. Allele origin: germline. Affected: yes. Not counted in ClinVar's aggregate classification.
ClinVar note: Reason: Outlier claim with insufficient supporting evidence

Literature cited by the submitters: PubMed 22683713 (cited by Labcorp Genetics (formerly Invitae), Labcorp); PubMed 29205472 (cited by Labcorp Genetics (formerly Invitae), Labcorp); PubMed 35094435 (cited by Labcorp Genetics (formerly Invitae), Labcorp); PubMed 32313153 (cited by Kids Research, The Children's Hospital at Westmead).

NM_032861.4(SERAC1):c.916C>T (p.Arg306Ter)

Gene: SERAC1 (serine active site containing 1; minus strand). Cytogenetic location: 6q25.3.
Variant type: single nucleotide variant.
Coding change: c.916C>T on transcript NM_032861.4 (MANE Select); coding-DNA position 916, C replaced by T.
Protein change: p.Arg306Ter; replaces arginine 306 with a stop codon.
Molecular consequence: nonsense. On other transcripts: non-coding transcript variant (1).
Genome position (GRCh38, 1-based): chr6:158,128,207, G>A on the plus strand (C>T on the coding strand, the complement: SERAC1 is on the minus strand). VCF-style: chr6-158128207-G-A. GRCh37 (hg19) VCF-style: chr6-158549239-G-A.
Other names: short protein forms R306*.
Identifiers: ClinVar variation 869397 (VCV000869397.5), dbSNP rs780664696, ClinGen allele CA4071236.